The following is an entry in ClinVar:

NM_001128228.3(TPRN):c.1837G>A (p.Glu613Lys)

Gene: TPRN (taperin; minus strand). Cytogenetic location: 9q34.3.
Variant type: single nucleotide variant.
Coding change: c.1837G>A on transcript NM_001128228.3 (MANE Select); coding-DNA position 1837, G replaced by A.
Protein change: p.Glu613Lys; replaces glutamic acid 613 with lysine.
Molecular consequence: missense variant.
Genome position (GRCh38, 1-based): chr9:137,192,580, C>T on the plus strand (G>A on the coding strand, the complement: TPRN is on the minus strand). VCF-style: chr9-137192580-C-T. GRCh37 (hg19) VCF-style: chr9-140087032-C-T.
Other names: short protein forms E613K.
Identifiers: ClinVar variation 3972696 (VCV003972696.2).

ClinVar aggregate classification (germline): Conflicting classifications of pathogenicity. Review status: criteria provided, conflicting classifications (1 of 4 stars). 2 submissions from 2 submitters: Uncertain significance (1); Likely benign (1). Last evaluated 2025-04-20.

Conditions:
TPRN-related disorder. Also called: TPRN-related condition.
Inborn genetic diseases. Identifiers: MedGen C0950123, MeSH D030342.

gnomAD v4.1: 44 of 1,611,628 alleles (0.0027%); highest among the groups gnomAD compares: East Asian, 0.069%; no homozygotes.

Submissions (2):

Ambry Genetics
Classification: Uncertain significance for Inborn genetic diseases. Last evaluated: 2025-04-20. Review status: criteria provided, single submitter. Criteria: Ambry Variant Classification Scheme 2023. Collection method: clinical testing. Allele origin: germline.

PreventionGenetics, part of Exact Sciences
Classification: Likely benign for TPRN-related condition. Last evaluated: 2024-12-10. Review status: criteria provided, single submitter. Criteria: ACMG Guidelines, 2015. Collection method: clinical testing. Allele origin: germline.
Comment: This variant is classified as likely benign based on ACMG/AMP sequence variant interpretation guidelines (Richards et al. 2015 PMID: 25741868, with internal and published modifications).